The following is an entry in ClinVar:

NM_001346754.2(PIGW):c.501G>C (p.Met167Ile)

Genes: MYO19 (myosin XIX; minus strand), PIGW (phosphatidylinositol glycan anchor biosynthesis class W; plus strand). Cytogenetic location: 17q12.
Variant type: single nucleotide variant.
Coding change: c.501G>C on transcript NM_001346754.2 (MANE Select); coding-DNA position 501, G replaced by C.
Protein change: p.Met167Ile; replaces methionine 167 with isoleucine.
Molecular consequence: missense variant.
Genome position (GRCh38, 1-based): chr17:36,537,602, G>C. VCF-style: chr17-36537602-G-C. GRCh37 (hg19) VCF-style: chr17-34893451-G-C.
Other names: c.501G>C, p.Met167Ile (NM_001346755.2, NM_178517.5); short protein forms M167I.
Identifiers: ClinVar variation 1899276 (VCV001899276.2), dbSNP rs1373476137, ClinGen allele CA399162811.

ClinVar aggregate classification (germline): Uncertain significance (1 of 4 stars; one submission).

Conditions:
Hyperphosphatasia with intellectual disability syndrome 5 (GPIBD11). Also called: GLYCOSYLPHOSPHATIDYLINOSITOL BIOSYNTHESIS DEFECT 11. Identifiers: Orphanet 247262, MedGen C4014958, MONDO:0014457, OMIM 616025.

Allele frequency attached by ClinVar (database versions not stated): gnomAD 0.00001; TOPMed 0.00001.
gnomAD v4.1: 1 of 1,613,992 alleles (0.000062%); highest among the groups gnomAD compares: African/African-American, 0.0013%; no homozygotes.

Submission:

Labcorp Genetics (formerly Invitae), Labcorp
Classification: Uncertain significance for Hyperphosphatasia with intellectual disability syndrome 5. Last evaluated: 2022-05-28. Review status: criteria provided, single submitter. Criteria: Invitae Variant Classification Sherloc (09022015). Collection method: clinical testing. Allele origin: germline.
Comment: This sequence change replaces methionine, which is neutral and non-polar, with isoleucine, which is neutral and non-polar, at codon 167 of the PIGW protein (p.Met167Ile). This variant is not present in population databases (gnomAD no frequency). This variant has not been reported in the literature in individuals affected with PIGW-related conditions. Algorithms developed to predict the effect of missense changes on protein structure and function are either unavailable or do not agree on the potential impact of this missense change (SIFT: "Deleterious"; PolyPhen-2: "Probably Damaging"; Align-GVGD: "Class C0"). In summary, the available evidence is currently insufficient to determine the role of this variant in disease. Therefore, it has been classified as a Variant of Uncertain Significance.